The following is an entry in ClinVar:

NM_017763.6(RNF43):c.253-10C>T

Gene: RNF43 (ring finger protein 43; minus strand). Cytogenetic location: 17q22.
Variant type: single nucleotide variant.
Coding change: c.253-10C>T on transcript NM_017763.6 (MANE Select); 10 bases into the intron before coding-DNA position 253, C replaced by T.
Molecular consequence: intron variant.
Genome position (GRCh38, 1-based): chr17:58,371,043, G>A on the plus strand (C>T on the coding strand, the complement: RNF43 is on the minus strand). VCF-style: chr17-58371043-G-A. GRCh37 (hg19) VCF-style: chr17-56448404-G-A.
Other names: c.253-10C>T (NM_001438822.1, NM_001305544.3, NM_001438820.1 and 1 more transcripts); c.-129-10C>T (NM_001305545.2, NM_001437987.1).
Identifiers: ClinVar variation 2904766 (VCV002904766.4), dbSNP rs758297561, ClinGen allele CA292019947.

ClinVar aggregate classification (germline): Likely benign. Review status: criteria provided, multiple submitters, no conflicts (2 of 4 stars). 2 submissions from 2 submitters: Likely benign (2). Last evaluated 2026-06-26.

Conditions:
Sessile serrated polyposis cancer syndrome (SSPCS). Identifiers: Orphanet 157798, MedGen C4310714, MONDO:0014919, OMIM 617108.

gnomAD v4.1: 2 of 1,566,942 alleles (0.00013%); highest among the groups gnomAD compares: African/African-American, 0.0027%; no homozygotes.

Submissions (2):

Myriad Genetics, Inc.
Classification: Likely benign for Sessile serrated polyposis cancer syndrome. Last evaluated: 2026-06-26. Review status: criteria provided, single submitter. Criteria: Myriad Autosomal Dominant, Autosomal Recessive and X-Linked Classification Criteria (2023). Collection method: clinical testing. Allele origin: unknown.
Comment: This variant is considered likely benign. This variant is intronic and is not expected to impact mRNA splicing.

Labcorp Genetics (formerly Invitae), Labcorp
Classification: Likely benign. Last evaluated: 2024-01-05. Review status: criteria provided, single submitter. Criteria: Invitae Variant Classification Sherloc (09022015). Collection method: clinical testing. Allele origin: germline.